The following is an entry in ClinVar:

NM_032444.4(SLX4):c.1990C>A (p.Pro664Thr)

Gene: SLX4 (SLX4 structure-specific endonuclease subunit; minus strand). Cytogenetic location: 16p13.3.
Variant type: single nucleotide variant.
Coding change: c.1990C>A on transcript NM_032444.4 (MANE Select); coding-DNA position 1990, C replaced by A.
Protein change: p.Pro664Thr; replaces proline 664 with threonine.
Molecular consequence: missense variant.
Genome position (GRCh38, 1-based): chr16:3,595,628, G>T on the plus strand (C>A on the coding strand, the complement: SLX4 is on the minus strand). VCF-style: chr16-3595628-G-T. GRCh37 (hg19) VCF-style: chr16-3645629-G-T.
Other names: c.1990C>A (NM_032444.2); short protein forms P664T.
Identifiers: ClinVar variation 1364811 (VCV001364811.9), dbSNP rs759223029, ClinGen allele CA7866344.

ClinVar aggregate classification (germline): Uncertain significance. Review status: criteria provided, multiple submitters, no conflicts (2 of 4 stars). 4 submissions from 4 submitters: Uncertain significance (4). Last evaluated 2025-01-21.

Conditions:
Fanconi anemia complementation group P. Also called: SLX4-Related Fanconi Anemia. Identifiers: Orphanet 84, MedGen C3469542, MONDO:0013499, OMIM 613951.
Inborn genetic diseases. Identifiers: MedGen C0950123, MeSH D030342.
Fanconi anemia (FA). Also called: Fanconi's anemia. Identifiers: Orphanet 84, MedGen C0015625, MeSH D005199, MONDO:0019391.

Allele frequency attached by ClinVar (database versions not stated): TOPMed 0.00002; ExAC 0.00004; gnomAD exomes 0.00004; gnomAD 0.00005.

Submissions (4):

Labcorp Genetics (formerly Invitae), Labcorp
Classification: Uncertain significance for Fanconi anemia. Last evaluated: 2025-01-21. Review status: criteria provided, single submitter. Criteria: Invitae Variant Classification Sherloc (09022015). Collection method: clinical testing. Allele origin: germline.
Comment: This sequence change replaces proline, which is neutral and non-polar, with threonine, which is neutral and polar, at codon 664 of the SLX4 protein (p.Pro664Thr). This variant is present in population databases (rs759223029, gnomAD 0.008%). This variant has not been reported in the literature in individuals affected with SLX4-related conditions. ClinVar contains an entry for this variant (Variation ID: 1364811). An algorithm developed to predict the effect of missense changes on protein structure and function (PolyPhen-2) suggests that this variant¬†is likely to be tolerated. In summary, the available evidence is currently insufficient to determine the role of this variant in disease. Therefore, it has been classified as a Variant of Uncertain Significance.

ARUP Laboratories, Molecular Genetics and Genomics, ARUP Laboratories
Classification: Uncertain significance for Fanconi anemia complementation group P. Last evaluated: 2024-12-27. Review status: criteria provided, single submitter. Criteria: ARUP Molecular Germline Variant Investigation Process 2024. Collection method: clinical testing. Allele origin: germline.
Comment: The SLX4 c.1990C>A; p.Pro664Thr variant (rs759223029), to our knowledge, is not reported in the medical literature but is reported in ClinVar (Variation ID: 1364811). This variant is found predominantly in the non-Finnish European population with an allele frequency of 0.01% (11/128642 alleles) in the Genome Aggregation Database (v2.1.1). Computational analyses predict that this variant is neutral (REVEL: 0.029). Due to limited information, the clinical significance of this variant is uncertain at this time.

Ambry Genetics
Classification: Uncertain significance for Inborn genetic diseases. Last evaluated: 2024-01-30. Review status: criteria provided, single submitter. Criteria: Ambry Variant Classification Scheme 2023. Collection method: clinical testing. Allele origin: germline.

Fulgent Genetics
Classification: Uncertain significance for Fanconi anemia complementation group P. Last evaluated: 2022-04-04. Review status: criteria provided, single submitter. Criteria: ACMG Guidelines, 2015. Collection method: clinical testing. Allele origin: unknown.